The following is an entry in ClinVar:

NM_173500.4(TTBK2):c.1666G>C (p.Asp556His)

Gene: TTBK2 (tau tubulin kinase 2; minus strand). Cytogenetic location: 15q15.2.
Variant type: single nucleotide variant.
Coding change: c.1666G>C on transcript NM_173500.4 (MANE Select); coding-DNA position 1666, G replaced by C.
Protein change: p.Asp556His; replaces aspartic acid 556 with histidine.
Molecular consequence: missense variant.
Genome position (GRCh38, 1-based): chr15:42,775,467, C>G on the plus strand (G>C on the coding strand, the complement: TTBK2 is on the minus strand). VCF-style: chr15-42775467-C-G. GRCh37 (hg19) VCF-style: chr15-43067665-C-G.
Other names: short protein forms D556H.
Identifiers: ClinVar variation 2864158 (VCV002864158.3), dbSNP rs2506532427, ClinGen allele CA392012495.

ClinVar aggregate classification (germline): Uncertain significance (1 of 4 stars; one submission).

Submission:

Labcorp Genetics (formerly Invitae), Labcorp
Classification: Uncertain significance. Last evaluated: 2023-05-13. Review status: criteria provided, single submitter. Criteria: Invitae Variant Classification Sherloc (09022015). Collection method: clinical testing. Allele origin: germline.
Comment: In summary, the available evidence is currently insufficient to determine the role of this variant in disease. Therefore, it has been classified as a Variant of Uncertain Significance. Advanced modeling of protein sequence and biophysical properties (such as structural, functional, and spatial information, amino acid conservation, physicochemical variation, residue mobility, and thermodynamic stability) performed at Invitae indicates that this missense variant is expected to disrupt TTBK2 protein function. This variant has not been reported in the literature in individuals affected with TTBK2-related conditions. This variant is not present in population databases (gnomAD no frequency). This sequence change replaces aspartic acid, which is acidic and polar, with histidine, which is basic and polar, at codon 556 of the TTBK2 protein (p.Asp556His).